The following is an entry in ClinVar:

ClinVar aggregate classification (germline): Pathogenic/Likely pathogenic. Review status: criteria provided, multiple submitters, no conflicts (2 of 4 stars). 9 submissions from 9 submitters: Pathogenic (6); Likely pathogenic (2). 1 of the submissions does not count toward it. Last evaluated 2025-09-19.

Conditions:
Carnitine deficiency. Identifiers: MedGen C1142132.
Renal carnitine transport defect (CDSP). Also called: Carnitine Deficiency, Systemic; CARNITINE DEFICIENCY, SYSTEMIC, DUE TO DEFECT IN RENAL REABSORPTION OF CARNITINE; CARNITINE TRANSPORTER, PLASMA-MEMBRANE, DEFICIENCY OF; CARNITINE UPTAKE DEFECT; Systemic primary carnitine deficiency; Primary carnitine deficiency. Identifiers: Orphanet 158, MedGen C0342788, MONDO:0008919, OMIM 212140.

Allele frequency attached by ClinVar (database versions not stated): TOPMed 0.00001; gnomAD 0.00001; gnomAD exomes 0.00001.
gnomAD v4.1: 10 of 1,613,996 alleles (0.00062%); highest among the groups gnomAD compares: Non-Finnish European, 0.00085%; no homozygotes.

Submissions (9):

Myriad Genetics, Inc.
Classification: Likely pathogenic for Renal carnitine transport defect. Last evaluated: 2025-09-19. Review status: criteria provided, single submitter. Criteria: Myriad Autosomal Dominant, Autosomal Recessive and X-Linked Classification Criteria (2023). Collection method: clinical testing. Allele origin: unknown.
Comment: NM_003060.3(SLC22A5):c.1340A>G(Y447C) is a missense variant classified as likely pathogenic in the context of primary carnitine deficiency. Y447C has been observed in cases with relevant disease (PMID: 34637945, 12408185, 14665638). Relevant functional assessments of this variant are available in the literature (PMID: 16652335). Y447C has not been observed in referenced population frequency databases. In summary, NM_003060.3(SLC22A5):c.1340A>G(Y447C) is a missense variant that has functional support for pathogenicity and has been observed more frequently in cases with the relevant disease than in healthy populations. Please note: this variant was assessed in the context of healthy population screening.

Labcorp Genetics (formerly Invitae), Labcorp
Classification: Pathogenic for Renal carnitine transport defect. Last evaluated: 2025-08-16. Review status: criteria provided, single submitter. Criteria: Invitae Variant Classification Sherloc (09022015). Collection method: clinical testing. Allele origin: germline.
Comment: This sequence change replaces tyrosine, which is neutral and polar, with cysteine, which is neutral and slightly polar, at codon 447 of the SLC22A5 protein (p.Tyr447Cys). This variant is not present in population databases (gnomAD no frequency). This missense change has been observed in individual(s) with primary carnitine deficiency (PMID: 12408185, 28841266). ClinVar contains an entry for this variant (Variation ID: 25418). Invitae Evidence Modeling of protein sequence and biophysical properties (such as structural, functional, and spatial information, amino acid conservation, physicochemical variation, residue mobility, and thermodynamic stability) indicates that this missense variant is expected to disrupt SLC22A5 protein function with a positive predictive value of 95%. Experimental studies have shown that this missense change affects SLC22A5 function (PMID: 16652335). For these reasons, this variant has been classified as Pathogenic.

Natera, Inc.
Classification: Pathogenic for Carnitine deficiency. Last evaluated: 2025-03-20. Review status: criteria provided, single submitter. Criteria: Natera Variant Classification Schema (03/2026). Collection method: clinical testing. Allele origin: germline.
Comment: The c.1340A>G variant in SLC22A5 is a missense variant predicted to cause substitution of tyrosine to cysteine at amino acid 447. This variant is rare in the general population with a frequency below the threshold expected for the associated phenotype(s). This variant has been observed in one or more individuals affected with the associated recessive disease, as either homozygous or compound heterozygous with a second variant (PMID: 34637945, 14665638, 12408185). Functional studies show that this variant may disrupt protein function (PMID: 28841266, 16652335). Computational prediction algorithms indicate this variant is likely to affect gene or protein function. Given the available evidence, this variant is classified as Pathogenic.

Genomic Medicine Center of Excellence, King Faisal Specialist Hospital and Research Centre
Classification: Pathogenic for Renal carnitine transport defect. Last evaluated: 2024-03-17. Review status: criteria provided, single submitter. Criteria: ACMG Guidelines, 2015. Collection method: research. Allele origin: germline.

Baylor Genetics
Classification: Pathogenic for Renal carnitine transport defect. Last evaluated: 2024-02-22. Review status: criteria provided, single submitter. Criteria: ACMG Guidelines, 2015. Collection method: clinical testing. Allele origin: unknown.

Women's Health and Genetics/Laboratory Corporation of America, LabCorp
Classification: Pathogenic for Renal carnitine transport defect. Last evaluated: 2023-08-29. Review status: criteria provided, single submitter. Criteria: LabCorp Variant Classification Summary - May 2015. Collection method: clinical testing. Allele origin: germline.
Comment: Variant summary: SLC22A5 c.1340A>G (p.Tyr447Cys) results in a non-conservative amino acid change located in the Major facilitator superfamily domain (IPR020846) of the encoded protein sequence. Four of five in-silico tools predict a damaging effect of the variant on protein function. The variant was absent in 251492 control chromosomes (gnomAD). c.1340A>G has been reported in the literature as a biallelic genotype in individuals affected with Systemic Primary Carnitine Deficiency (e.g. Rahbeeni_2002, Dobrowolski_2005, Rose_2012, Frigeni_2017). These data indicate that the variant is likely to be associated with disease. Functional evidence using transfected CHO cells showed that the variant had similar carnitine transport activity as untransfected cells (0%), which may in part be due to mislocalization of the protein: the variant protein did not traffic normally to the cell surface, and was retained within the cytoplasm (Amat di San Filippo_2006). The following publications have been ascertained in the context of this evaluation (PMID: 16652335, 15714519, 28841266, 12408185, 21922592). Three ClinVar submitters have assessed the variant since 2014: one classified the variant as likely pathogenic, and two as pathogenic. Based on the evidence outlined above, the variant was classified as pathogenic.

Genome-Nilou Lab
Classification: Likely pathogenic for Renal carnitine transport defect. Last evaluated: 2021-07-15. Review status: criteria provided, single submitter. Criteria: ACMG Guidelines, 2015. Collection method: clinical testing. Allele origin: germline. Affected: no.

GeneDx
Classification: Pathogenic. Last evaluated: 2021-04-29. Review status: criteria provided, single submitter. Criteria: GeneDx Variant Classification Process June 2021. Collection method: clinical testing. Allele origin: germline. Affected: yes.
Comment: Transfection of Y447C into CHO cells showed carnitine and tetraethylammonium transport comparable to that in untransfected cells (Amat di San Filippo et al., 2004); Not observed in large population cohorts (Lek et al., 2016); In silico analysis supports that this missense variant has a deleterious effect on protein structure/function; This variant is associated with the following publications: (PMID: 12408185, 22555822, 14665638, 16652335, 21922592, 28841266)

Counsyl
Classification: Likely pathogenic for Renal carnitine transport defect. Last evaluated: 2014-11-12. Review status: no assertion criteria provided. Collection method: literature only. Allele origin: unknown. Inheritance: Autosomal recessive inheritance. Not counted in ClinVar's aggregate classification.

Literature cited by the submitters: PubMed 12408185 (cited by 5 submitters); PubMed 14665638 (cited by 3 submitters); PubMed 16652335 (cited by 5 submitters); PubMed 34637945 (cited by Myriad Genetics, Inc. and Natera, Inc.); PubMed 28841266 (cited by 3 submitters); PubMed 15714519 (cited by Women's Health and Genetics/Laboratory Corporation of America, LabCorp and Counsyl); PubMed 21922592 (cited by Women's Health and Genetics/Laboratory Corporation of America, LabCorp and Counsyl).

NM_003060.4(SLC22A5):c.1340A>G (p.Tyr447Cys)

Gene: SLC22A5 (solute carrier family 22 member 5; plus strand). Cytogenetic location: 5q31.1.
Variant type: single nucleotide variant.
Coding change: c.1340A>G on transcript NM_003060.4 (MANE Select); coding-DNA position 1340, A replaced by G.
Protein change: p.Tyr447Cys; replaces tyrosine 447 with cysteine.
Molecular consequence: missense variant.
Genome position (GRCh38, 1-based): chr5:132,392,505, A>G. VCF-style: chr5-132392505-A-G. GRCh37 (hg19) VCF-style: chr5-131728197-A-G.
Other names: c.1412A>G, p.Tyr471Cys (NM_001308122.2); short protein forms Y471C.
Identifiers: ClinVar variation 25418 (VCV000025418.25), dbSNP rs386134218, ClinGen allele CA342677.